The following is an entry in ClinVar:

ClinVar aggregate classification (germline): Uncertain significance. Review status: criteria provided, multiple submitters, no conflicts (2 of 4 stars). 3 submissions from 3 submitters: Uncertain significance (3). Last evaluated 2026-08-10.

Conditions:
Mitral valve prolapse, myxomatous 2. Also called: Mitral valve prolapse 2; MMVP2. Identifiers: MedGen C1843003, MONDO:0011915, OMIM 607829.

Allele frequency attached by ClinVar (database versions not stated): TOPMed 0.00003.
gnomAD v4.1: 41 of 1,548,522 alleles (0.0026%); highest among the groups gnomAD compares: Non-Finnish European, 0.0032%; no homozygotes.

Submissions (3):

GeneDx
Classification: Uncertain significance. Last evaluated: 2026-08-10. Review status: criteria provided, single submitter. Criteria: GeneDx Variant Classification Process June 2021. Collection method: clinical testing. Allele origin: germline.
Comment: In silico analysis supports that this missense variant has a deleterious effect on protein structure/function; This variant is associated with the following publications: (PMID: 34406647)

Labcorp Genetics (formerly Invitae), Labcorp
Classification: Uncertain significance. Last evaluated: 2025-10-08. Review status: criteria provided, single submitter. Criteria: Invitae Variant Classification Sherloc (09022015). Collection method: clinical testing. Allele origin: germline.
Comment: This sequence change replaces arginine, which is basic and polar, with tryptophan, which is neutral and slightly polar, at codon 1518 of the DCHS1 protein (p.Arg1518Trp). This variant is present in population databases (rs756570525, gnomAD 0.007%). This variant has not been reported in the literature in individuals affected with DCHS1-related conditions. ClinVar contains an entry for this variant (Variation ID: 983077). Invitae Evidence Modeling of protein sequence and biophysical properties (such as structural, functional, and spatial information, amino acid conservation, physicochemical variation, residue mobility, and thermodynamic stability) indicates that this missense variant is expected to disrupt DCHS1 protein function with a positive predictive value of 80%. In summary, the available evidence is currently insufficient to determine the role of this variant in disease. Therefore, it has been classified as a Variant of Uncertain Significance.

Institute of Human Genetics, University of Leipzig Medical Center
Classification: Uncertain significance for Mitral valve prolapse, myxomatous 2. Last evaluated: 2019-01-01. Review status: criteria provided, single submitter. Criteria: ACMG Guidelines, 2015. Collection method: clinical testing. Allele origin: unknown. Affected: yes.
Comment: This variant was identified as compound heterozygous.

NM_003737.4(DCHS1):c.4552C>T (p.Arg1518Trp)

Gene: DCHS1 (dachsous cadherin-related 1; minus strand). Cytogenetic location: 11p15.4.
Variant type: single nucleotide variant.
Coding change: c.4552C>T on transcript NM_003737.4 (MANE Select); coding-DNA position 4552, C replaced by T.
Protein change: p.Arg1518Trp; replaces arginine 1518 with tryptophan.
Molecular consequence: missense variant.
Genome position (GRCh38, 1-based): chr11:6,630,242, G>A on the plus strand (C>T on the coding strand, the complement: DCHS1 is on the minus strand). VCF-style: chr11-6630242-G-A. GRCh37 (hg19) VCF-style: chr11-6651473-G-A.
Other names: short protein forms R1518W.
Identifiers: ClinVar variation 983077 (VCV000983077.9), dbSNP rs756570525, ClinGen allele CA5860327.